The following is an entry in ClinVar:

ClinVar aggregate classification (germline): Uncertain significance. Review status: criteria provided, multiple submitters, no conflicts (2 of 4 stars). 2 submissions from 2 submitters: Uncertain significance (2). Last evaluated 2026-05-30.

Conditions:
Hereditary cancer-predisposing syndrome. Also called: Hereditary Cancer Syndrome; Neoplastic Syndromes, Hereditary; Hereditary neoplastic syndrome; Tumor predisposition. Identifiers: Orphanet 140162, MedGen C0027672, MeSH D009386, MONDO:0015356.

Submissions (2):

Ambry Genetics
Classification: Uncertain significance for Hereditary cancer-predisposing syndrome. Last evaluated: 2026-05-30. Review status: criteria provided, single submitter. Criteria: Ambry Variant Classification Scheme 2023. Collection method: clinical testing. Allele origin: germline.
Comment: The p.Q55K variant (also known as c.163C>A), located in coding exon 3 of the PALB2 gene, results from a C to A substitution at nucleotide position 163. The glutamine at codon 55 is replaced by lysine, an amino acid with similar properties. This amino acid position is conserved. In addition, this alteration is predicted to be tolerated by in silico analysis. Based on the available evidence, the clinical significance of this variant remains unclear.

Center for Genomic Medicine, Rigshospitalet, Copenhagen University Hospital
Classification: Uncertain significance. Last evaluated: 2025-03-04. Review status: criteria provided, single submitter. Criteria: ACMG Guidelines, 2015. Collection method: clinical testing. Allele origin: germline.

NM_024675.4(PALB2):c.163C>A (p.Gln55Lys)

Gene: PALB2 (partner and localizer of BRCA2; minus strand). Cytogenetic location: 16p12.2.
Variant type: single nucleotide variant.
Coding change: c.163C>A on transcript NM_024675.4 (MANE Select); coding-DNA position 163, C replaced by A.
Protein change: p.Gln55Lys; replaces glutamine 55 with lysine.
Molecular consequence: missense variant.
Genome position (GRCh38, 1-based): chr16:23,637,898, G>T on the plus strand (C>A on the coding strand, the complement: PALB2 is on the minus strand). VCF-style: chr16-23637898-G-T. GRCh37 (hg19) VCF-style: chr16-23649219-G-T.
Other names: c.163C>A (NM_024675.3); short protein forms Q55K.
Identifiers: ClinVar variation 1697762 (VCV001697762.8), dbSNP rs1064793772, ClinGen allele CA395139185.